The following is an entry in ClinVar:

NM_000130.5(F5):c.4637A>G (p.Tyr1546Cys)

Gene: F5 (coagulation factor V; minus strand). Cytogenetic location: 1q24.2.
Variant type: single nucleotide variant.
Coding change: c.4637A>G on transcript NM_000130.5 (MANE Select); coding-DNA position 4637, A replaced by G.
Protein change: p.Tyr1546Cys; replaces tyrosine 1546 with cysteine.
Molecular consequence: missense variant.
Genome position (GRCh38, 1-based): chr1:169,540,453, T>C on the plus strand (A>G on the coding strand, the complement: F5 is on the minus strand). VCF-style: chr1-169540453-T-C. GRCh37 (hg19) VCF-style: chr1-169509691-T-C.
Other names: short protein forms Y1546C.
Identifiers: ClinVar variation 4807684 (VCV004807684.1).

ClinVar aggregate classification (germline): Uncertain significance (1 of 4 stars; one submission).

Conditions:
Congenital factor V deficiency. Also called: Hereditary factor V deficiency disease; LABILE FACTOR DEFICIENCY; OWREN PARAHEMOPHILIA; PARAHEMOPHILIA. Identifiers: Orphanet 326, MedGen C0015499, MONDO:0009210, OMIM 227400.

gnomAD v4.1: 8 of 1,614,018 alleles (0.0005%); highest among the groups gnomAD compares: African/African-American, 0.0013%; no homozygotes.

Submission:

Labcorp Genetics (formerly Invitae), Labcorp
Classification: Uncertain significance for Congenital factor V deficiency. Last evaluated: 2025-10-03. Review status: criteria provided, single submitter. Criteria: Invitae Variant Classification Sherloc (09022015). Collection method: clinical testing. Allele origin: germline.
Comment: This sequence change replaces tyrosine, which is neutral and polar, with cysteine, which is neutral and slightly polar, at codon 1546 of the F5 protein (p.Tyr1546Cys). This variant is present in population databases (rs200308026, gnomAD 0.007%). This variant has not been reported in the literature in individuals affected with F5-related conditions. Invitae Evidence Modeling of protein sequence and biophysical properties (such as structural, functional, and spatial information, amino acid conservation, physicochemical variation, residue mobility, and thermodynamic stability) indicates that this missense variant is expected to disrupt F5 protein function with a positive predictive value of 80%. In summary, the available evidence is currently insufficient to determine the role of this variant in disease. Therefore, it has been classified as a Variant of Uncertain Significance.